The following is an entry in ClinVar:

ClinVar aggregate classification (germline): Uncertain significance (1 of 4 stars; one submission).

Conditions:
CUL4B-related disorder. Also called: CUL4B-related condition.

Submission:

PreventionGenetics, part of Exact Sciences
Classification: Uncertain significance for CUL4B-related condition. Last evaluated: 2025-06-16. Review status: criteria provided, single submitter. Criteria: ACMG Guidelines, 2015. Collection method: clinical testing. Allele origin: germline.
Comment: The CUL4B c.13T>G variant is predicted to result in the amino acid substitution p.Cys5Gly. To our knowledge, this variant has not been reported in the literature or in a large population database (gnomAD), indicating this variant is rare. At this time, the clinical significance of this variant is uncertain due to the absence of conclusive functional and genetic evidence.

NM_001330624.2(CUL4B):c.13T>G (p.Cys5Gly)

Genes: CUL4B (cullin 4B; minus strand), LOC113845788 (Sharpr-MPRA regulatory region 11856; plus strand). Cytogenetic location: Xq24.
Variant type: single nucleotide variant.
Coding change: c.13T>G on transcript NM_001330624.2; coding-DNA position 13, T replaced by G.
Protein change: p.Cys5Gly; replaces cysteine 5 with glycine.
Molecular consequence: missense variant. On other transcripts: intron variant (1).
Genome position (GRCh38, 1-based): chrX:120,561,387, A>C on the plus strand (T>G on the coding strand, the complement: CUL4B is on the minus strand). VCF-style: chrX-120561387-A-C. GRCh37 (hg19) VCF-style: chrX-119695242-A-C.
Other names: c.68-762T>G (NM_003588.4); short protein forms C5G.
Identifiers: ClinVar variation 5000686 (VCV005000686.1).
Genomic context (GRCh38, chrX:120,561,387, plus strand): 5'-CTCCTTAACGGTCCCGCGGGAAGCTTCGCGCCGCAGCGCCCTTACCGGAAGTGACTGGGC[A>C]GACACTTTTCATAGCGCCCAGATCCCGAAGCCCCCAGGTCCGCAGGACTTGAGTGGGGGG-3'